The following is an entry in ClinVar:

ClinVar aggregate classification (germline): Likely benign. Review status: criteria provided, single submitter (1 of 4 stars). 2 submissions from 2 submitters: Likely benign (1). 1 of the submissions does not count toward it. Last evaluated 2024-08-13.

Conditions:
MYH9-related disorder. Identifiers: MedGen C1854520.

Allele frequency attached by ClinVar (database versions not stated): ExAC 0.00001; gnomAD exomes 0.00001; TOPMed 0.00001.
gnomAD v4.1: 3 of 1,613,576 alleles (0.00019%); highest among the groups gnomAD compares: Admixed American, 0.0017%; no homozygotes.

Submissions (2):

Labcorp Genetics (formerly Invitae), Labcorp
Classification: Likely benign. Last evaluated: 2024-08-13. Review status: criteria provided, single submitter. Criteria: Invitae Variant Classification Sherloc (09022015). Collection method: clinical testing. Allele origin: germline.

PreventionGenetics, part of Exact Sciences
Classification: Likely benign for MYH9-related condition. Last evaluated: 2023-10-12. Review status: no assertion criteria provided. Collection method: clinical testing. Allele origin: germline. Not counted in ClinVar's aggregate classification.
Comment: This variant is classified as likely benign based on ACMG/AMP sequence variant interpretation guidelines (Richards et al. 2015 PMID: 25741868, with internal and published modifications).

NM_002473.6(MYH9):c.2109C>T (p.Ile703=)

Gene: MYH9 (myosin heavy chain 9; minus strand). Cytogenetic location: 22q12.3.
Variant type: single nucleotide variant.
Coding change: c.2109C>T on transcript NM_002473.6 (MANE Select); coding-DNA position 2109, C replaced by T.
Protein change: p.Ile703=; no amino-acid change (isoleucine 703 retained).
Molecular consequence: synonymous variant.
Genome position (GRCh38, 1-based): chr22:36,305,980, G>A on the plus strand (C>T on the coding strand, the complement: MYH9 is on the minus strand). VCF-style: chr22-36305980-G-A. GRCh37 (hg19) VCF-style: chr22-36702026-G-A.
Identifiers: ClinVar variation 3030935 (VCV003030935.4), dbSNP rs760103648, ClinGen allele CA10210088.